The following is an entry in ClinVar:

ClinVar aggregate classification (germline): Uncertain significance (1 of 4 stars; one submission).

gnomAD v4.1: 1 of 1,609,334 alleles (0.000062%); highest among the groups gnomAD compares: Non-Finnish European, 0.000085%; no homozygotes.

Submission:

GeneDx
Classification: Uncertain significance. Last evaluated: 2022-02-10. Review status: criteria provided, single submitter. Criteria: GeneDx Variant Classification Process June 2021. Collection method: clinical testing. Allele origin: germline. Affected: yes.
Comment: Not observed at significant frequency in large population cohorts (gnomAD); In silico analysis supports that this missense variant does not alter protein structure/function; Has not been previously published as pathogenic or benign to our knowledge

NM_007118.4(TRIO):c.4201G>T (p.Ala1401Ser)

Gene: TRIO (trio Rho guanine nucleotide exchange factor; plus strand). Cytogenetic location: 5p15.2.
Variant type: single nucleotide variant.
Coding change: c.4201G>T on transcript NM_007118.4 (MANE Select); coding-DNA position 4201, G replaced by T.
Protein change: p.Ala1401Ser; replaces alanine 1401 with serine.
Molecular consequence: missense variant. On other transcripts: non-coding transcript variant (1).
Genome position (GRCh38, 1-based): chr5:14,390,973, G>T. VCF-style: chr5-14390973-G-T. GRCh37 (hg19) VCF-style: chr5-14391082-G-T.
Other names: short protein forms A1401S.
Identifiers: ClinVar variation 1700879 (VCV001700879.2), dbSNP rs2152364327, ClinGen allele CA359231783.